The following is an entry in ClinVar:

NM_001378964.1(CDON):c.1978G>A (p.Ala660Thr)

Gene: CDON (cell adhesion associated, oncogene regulated; minus strand). Cytogenetic location: 11q24.2.
Variant type: single nucleotide variant.
Coding change: c.1978G>A on transcript NM_001378964.1 (MANE Select); coding-DNA position 1978, G replaced by A.
Protein change: p.Ala660Thr; replaces alanine 660 with threonine.
Molecular consequence: missense variant.
Genome position (GRCh38, 1-based): chr11:126,003,950, C>T on the plus strand (G>A on the coding strand, the complement: CDON is on the minus strand). VCF-style: chr11-126003950-C-T. GRCh37 (hg19) VCF-style: chr11-125873845-C-T.
Other names: c.1978G>A, p.Ala660Thr (NM_001243597.3, NM_016952.6); short protein forms A660T.
Identifiers: ClinVar variation 970966 (VCV000970966.11), dbSNP rs773419494, ClinGen allele CA6351888.

ClinVar aggregate classification (germline): Conflicting classifications of pathogenicity. Review status: criteria provided, conflicting classifications (1 of 4 stars). 2 submissions from 2 submitters: Uncertain significance (1); Likely benign (1). Last evaluated 2024-12-23.

Conditions:
Holoprosencephaly 11 (HPE11). Identifiers: Orphanet 2162, MedGen C3280215, MONDO:0013642, OMIM 614226.
Inborn genetic diseases. Identifiers: MedGen C0950123, MeSH D030342.

Allele frequency attached by ClinVar (database versions not stated): gnomAD 0.00001; gnomAD exomes 0.00004; TOPMed 0.00004; ExAC 0.00005.
gnomAD v4.1: 44 of 1,613,992 alleles (0.0027%); highest among the groups gnomAD compares: Admixed American, 0.0067%; no homozygotes.

Submissions (2):

Ambry Genetics
Classification: Likely benign for Inborn genetic diseases. Last evaluated: 2024-12-23. Review status: criteria provided, single submitter. Criteria: Ambry Variant Classification Scheme 2023. Collection method: clinical testing. Allele origin: germline.

Labcorp Genetics (formerly Invitae), Labcorp
Classification: Uncertain significance for Holoprosencephaly 11. Last evaluated: 2024-11-19. Review status: criteria provided, single submitter. Criteria: Invitae Variant Classification Sherloc (09022015). Collection method: clinical testing. Allele origin: germline.
Comment: This sequence change replaces alanine, which is neutral and non-polar, with threonine, which is neutral and polar, at codon 660 of the CDON protein (p.Ala660Thr). This variant is present in population databases (rs773419494, gnomAD 0.009%). This variant has not been reported in the literature in individuals affected with CDON-related conditions. ClinVar contains an entry for this variant (Variation ID: 970966). Invitae Evidence Modeling of protein sequence and biophysical properties (such as structural, functional, and spatial information, amino acid conservation, physicochemical variation, residue mobility, and thermodynamic stability) indicates that this missense variant is not expected to disrupt CDON protein function with a negative predictive value of 80%. In summary, the available evidence is currently insufficient to determine the role of this variant in disease. Therefore, it has been classified as a Variant of Uncertain Significance.